The following is an entry in ClinVar:

NM_053025.4(MYLK):c.1148C>T (p.Pro383Leu)

Gene: MYLK (myosin light chain kinase; minus strand). Cytogenetic location: 3q21.1.
Variant type: single nucleotide variant.
Coding change: c.1148C>T on transcript NM_053025.4 (MANE Select); coding-DNA position 1148, C replaced by T.
Protein change: p.Pro383Leu; replaces proline 383 with leucine.
Molecular consequence: missense variant.
Genome position (GRCh38, 1-based): chr3:123,733,848, G>A on the plus strand (C>T on the coding strand, the complement: MYLK is on the minus strand). VCF-style: chr3-123733848-G-A. GRCh37 (hg19) VCF-style: chr3-123452695-G-A.
Other names: c.620C>T, p.Pro207Leu (NM_001321309.2); c.1148C>T, p.Pro383Leu (NM_053026.4, NM_053027.4, NM_053028.4); short protein forms P383L, P207L.
Identifiers: ClinVar variation 161793 (VCV000161793.2), dbSNP rs193921083, ClinGen allele CA024820.

ClinVar aggregate classification (germline): Uncertain significance (0 of 4 stars; one submission).

Conditions:
Prostate cancer. Also called: Malignant tumor of prostate. Identifiers: Orphanet 1331, MedGen C0376358, MONDO:0008315, HP:0012125.

Submission:

Science for Life laboratory,  Karolinska Institutet
Classification: Uncertain significance for Malignant tumor of prostate. Review status: no assertion criteria provided. Collection method: not provided. Allele origin: somatic.
Comment: TumorID:SWE-90B
ClinVar note: Converted during submission from Unknown to Uncertain significance.